The following is an entry in ClinVar:

ClinVar aggregate classification (germline): Uncertain significance. Review status: criteria provided, multiple submitters, no conflicts (2 of 4 stars). 2 submissions from 2 submitters: Uncertain significance (2). Last evaluated 2021-09-02.

Conditions:
Nephrotic syndrome 14. Also called: Sphingosine Phosphate Lyase Insufficiency Syndrome; RENI SYNDROME; RENAL, ENDOCRINE, NEUROLOGIC, AND IMMUNE SYNDROME. Identifiers: Orphanet 506334, MedGen C4540559, MONDO:0033203, OMIM 617575.

Allele frequency attached by ClinVar (database versions not stated): TOPMed 0.00004; gnomAD exomes 0.00005 and 0.00012; ExAC 0.00010; ESP Exome Variant Server 0.00015.
gnomAD v4.1: 82 of 1,614,116 alleles (0.0051%); highest among the groups gnomAD compares: Admixed American, 0.012%; 1 homozygote.

Submissions (2):

Labcorp Genetics (formerly Invitae), Labcorp
Classification: Uncertain significance. Last evaluated: 2021-09-02. Review status: criteria provided, single submitter. Criteria: Invitae Variant Classification Sherloc (09022015). Collection method: clinical testing. Allele origin: germline.
Comment: This sequence change replaces valine with isoleucine at codon 378 of the SGPL1 protein (p.Val378Ile). The valine residue is highly conserved and there is a small physicochemical difference between valine and isoleucine. This variant is present in population databases (rs369763767, ExAC 0.05%). This variant has not been reported in the literature in individuals affected with SGPL1-related conditions. ClinVar contains an entry for this variant (Variation ID: 1031367). Algorithms developed to predict the effect of missense changes on protein structure and function output the following: SIFT: "Tolerated"; PolyPhen-2: "Benign"; Align-GVGD: "Class C0". The isoleucine amino acid residue is found in multiple mammalian species, which suggests that this missense change does not adversely affect protein function. In summary, the available evidence is currently insufficient to determine the role of this variant in disease. Therefore, it has been classified as a Variant of Uncertain Significance.

Baylor Genetics
Classification: Uncertain significance for Nephrotic syndrome 14. Last evaluated: 2018-04-19. Review status: criteria provided, single submitter. Criteria: ACMG Guidelines, 2015. Collection method: clinical testing. Allele origin: unknown. Affected: yes.
Comment: This variant was determined to be of uncertain significance according to ACMG Guidelines, 2015 [PMID:25741868].

NM_003901.4(SGPL1):c.1132G>A (p.Val378Ile)

Gene: SGPL1 (sphingosine-1-phosphate lyase 1; plus strand). Cytogenetic location: 10q22.1.
Variant type: single nucleotide variant.
Coding change: c.1132G>A on transcript NM_003901.4 (MANE Select); coding-DNA position 1132, G replaced by A.
Protein change: p.Val378Ile; replaces valine 378 with isoleucine.
Molecular consequence: missense variant.
Genome position (GRCh38, 1-based): chr10:70,873,423, G>A. VCF-style: chr10-70873423-G-A. GRCh37 (hg19) VCF-style: chr10-72633180-G-A.
Other names: short protein forms V378I.
Identifiers: ClinVar variation 1031367 (VCV001031367.6), dbSNP rs369763767, ClinGen allele CA5541385.